The following is an entry in ClinVar:

ClinVar aggregate classification (germline): Likely pathogenic. Review status: criteria provided, multiple submitters, no conflicts (2 of 4 stars). 2 submissions from 2 submitters: Likely pathogenic (2). Last evaluated 2025-11-18.

Conditions:
Mitochondrial complex I deficiency. Also called: NADH:Q(1) OXIDOREDUCTASE DEFICIENCY. Identifiers: Orphanet 2609, MedGen C1838979, MeSH C537475, MONDO:0100133.

Submissions (2):

Natera, Inc.
Classification: Likely pathogenic for Mitochondrial complex I deficiency. Last evaluated: 2025-11-18. Review status: criteria provided, single submitter. Criteria: Natera Variant Classification Schema (03/2026). Collection method: clinical testing. Allele origin: germline.
Comment: The c.717+1G>C variant in NDUFAF5 is a canonical splice donor site variant predicted to affect pre-mRNA splicing, which may result in an abnormal transcript and altered protein product. This variant is expected to result in nonsense mediated decay, truncation, or a dysfunctional protein product. This variant is rare in the general population with a frequency below the threshold expected for the associated phenotype(s). Given the available evidence, this variant is classified as Likely Pathogenic.

Labcorp Genetics (formerly Invitae), Labcorp
Classification: Likely pathogenic. Last evaluated: 2023-07-25. Review status: criteria provided, single submitter. Criteria: Invitae Variant Classification Sherloc (09022015). Collection method: clinical testing. Allele origin: germline.
Comment: This sequence change affects a donor splice site in intron 7 of the NDUFAF5 gene. It is expected to disrupt RNA splicing. Variants that disrupt the donor or acceptor splice site typically lead to a loss of protein function (PMID: 16199547), and loss-of-function variants in NDUFAF5 are known to be pathogenic (PMID: 26275793, 30473481, 32918965). This variant is not present in population databases (gnomAD no frequency). In summary, the currently available evidence indicates that the variant is pathogenic, but additional data are needed to prove that conclusively. Therefore, this variant has been classified as Likely Pathogenic. Algorithms developed to predict the effect of sequence changes on RNA splicing suggest that this variant may disrupt the consensus splice site. This variant has not been reported in the literature in individuals affected with NDUFAF5-related conditions.

Literature cited by the submitters: PubMed 16199547 (cited by Labcorp Genetics (formerly Invitae), Labcorp); PubMed 26275793 (cited by Labcorp Genetics (formerly Invitae), Labcorp); PubMed 30473481 (cited by Labcorp Genetics (formerly Invitae), Labcorp); PubMed 32918965 (cited by Labcorp Genetics (formerly Invitae), Labcorp).

NM_024120.5(NDUFAF5):c.717+1G>C

Gene: NDUFAF5 (NADH:ubiquinone oxidoreductase complex assembly factor 5; plus strand). Cytogenetic location: 20p12.1.
Variant type: single nucleotide variant.
Coding change: c.717+1G>C on transcript NM_024120.5 (MANE Select); the canonical splice donor site of the intron after coding-DNA position 717, G replaced by C.
Molecular consequence: splice donor variant.
Genome position (GRCh38, 1-based): chr20:13,801,684, G>C. VCF-style: chr20-13801684-G-C. GRCh37 (hg19) VCF-style: chr20-13782330-G-C.
Other names: c.717+1G>C (NM_024120.4, NM_001352408.2); c.156+1G>C (NM_001352407.2, NM_001352406.2); c.633+1G>C (NM_001039375.3); c.246+1G>C (NM_001352403.2).
Identifiers: ClinVar variation 2726523 (VCV002726523.4), dbSNP rs2516189237, ClinGen allele CA408271267.